The following is an entry in ClinVar:

NM_001080414.4(CCDC88C):c.1090del (p.Ala364fs)

Gene: CCDC88C (coiled-coil and HOOK domain protein 88C; minus strand). Cytogenetic location: 14q32.11.
Variant type: Deletion.
Coding change: c.1090del on transcript NM_001080414.4 (MANE Select); coding-DNA position 1090, one base deleted (G; older notation c.1090delG).
Protein change: p.Ala364fs; shifts the reading frame from alanine 364.
Molecular consequence: frameshift variant.
Genome position (GRCh38, 1-based): chr14:91,326,017, C deleted on the plus strand (G on the coding strand, the reverse complement: CCDC88C is on the minus strand); the first of 2 consecutive C bases (chr14:91,326,017-91,326,018); deleting either gives the same sequence. VCF-style (leftmost placement, unchanged base first): chr14-91326016-GC-G. GRCh37 (hg19) VCF-style: chr14-91792360-GC-G.
Other names: c.1090delG (NM_001080414.3); short protein forms A364fs.
Identifiers: ClinVar variation 2874752 (VCV002874752.4), dbSNP rs771111478, ClinGen allele CA7309993.

ClinVar aggregate classification (germline): Pathogenic/Likely pathogenic. Review status: criteria provided, multiple submitters, no conflicts (2 of 4 stars). 2 submissions from 2 submitters: Pathogenic (1); Likely pathogenic (1). Last evaluated 2025-12-21.

Conditions:
CCDC88C-related disorder. Also called: CCDC88C-Related Disorders; CCDC88C-related condition.

Submissions (2):

Labcorp Genetics (formerly Invitae), Labcorp
Classification: Pathogenic. Last evaluated: 2025-12-21. Review status: criteria provided, single submitter. Criteria: Invitae Variant Classification Sherloc (09022015). Collection method: clinical testing. Allele origin: germline.
Comment: This sequence change creates a premature translational stop signal (p.Ala364Profs*7) in the CCDC88C gene. It is expected to result in an absent or disrupted protein product. Loss-of-function variants in CCDC88C are known to be pathogenic (PMID: 23042809, 29225145). This variant is present in population databases (rs771111478, gnomAD 0.0009%). This variant has not been reported in the literature in individuals affected with CCDC88C-related conditions. ClinVar contains an entry for this variant (Variation ID: 2874752). For these reasons, this variant has been classified as Pathogenic.

PreventionGenetics, part of Exact Sciences
Classification: Likely pathogenic for CCDC88C-related condition. Last evaluated: 2025-05-15. Review status: criteria provided, single submitter. Criteria: ACMG Guidelines, 2015. Collection method: clinical testing. Allele origin: germline.
Comment: The CCDC88C c.1090delG variant is predicted to result in a frameshift and premature protein termination (p.Ala364Profs*7). To our knowledge, this variant has not been reported in the literature. This variant is reported in 0.00093% of alleles in individuals of European (Non-Finnish) descent in gnomAD. Frameshift variants in CCDC88C are expected to be pathogenic. This variant is interpreted as likely pathogenic.

Literature cited by the submitters: PubMed 23042809 (cited by Labcorp Genetics (formerly Invitae), Labcorp); PubMed 29225145 (cited by Labcorp Genetics (formerly Invitae), Labcorp).